The following is an entry in ClinVar:

ClinVar aggregate classification (germline): Uncertain significance (1 of 4 stars; one submission).

Conditions:
Deficiency of butyryl-CoA dehydrogenase (ACADSD). Also called: ACADS DEFICIENCY; Short-Chain Acyl-CoA Dehydrogenase Deficiency; SCADH DEFICIENCY; SCAD DEFICIENCY, MILD; ACYL-CoA DEHYDROGENASE, SHORT-CHAIN, DEFICIENCY OF; SCAD Deficiency. Identifiers: Orphanet 26792, MedGen C0342783, MONDO:0008722, OMIM 201470. Disease mechanism: May be benign.

Submission:

Labcorp Genetics (formerly Invitae), Labcorp
Classification: Uncertain significance for Deficiency of butyryl-CoA dehydrogenase. Last evaluated: 2025-05-22. Review status: criteria provided, single submitter. Criteria: Invitae Variant Classification Sherloc (09022015). Collection method: clinical testing. Allele origin: germline.
Comment: This sequence change replaces leucine, which is neutral and non-polar, with proline, which is neutral and non-polar, at codon 17 of the ACADS protein (p.Leu17Pro). This variant is not present in population databases (gnomAD no frequency). This variant has not been reported in the literature in individuals affected with ACADS-related conditions. Invitae Evidence Modeling of protein sequence and biophysical properties (such as structural, functional, and spatial information, amino acid conservation, physicochemical variation, residue mobility, and thermodynamic stability) indicates that this missense variant is expected to disrupt ACADS protein function with a positive predictive value of 95%. In summary, the available evidence is currently insufficient to determine the role of this variant in disease. Therefore, it has been classified as a Variant of Uncertain Significance.

NM_000017.4(ACADS):c.50T>C (p.Leu17Pro)

Gene: ACADS (acyl-CoA dehydrogenase short chain; plus strand). Cytogenetic location: 12q24.31.
Variant type: single nucleotide variant.
Coding change: c.50T>C on transcript NM_000017.4 (MANE Select); coding-DNA position 50, T replaced by C.
Protein change: p.Leu17Pro; replaces leucine 17 with proline.
Molecular consequence: missense variant.
Genome position (GRCh38, 1-based): chr12:120,727,029, T>C. VCF-style: chr12-120727029-T-C. GRCh37 (hg19) VCF-style: chr12-121164832-T-C.
Other names: c.50T>C, p.Leu17Pro (NM_001302554.2); short protein forms L17P.
Identifiers: ClinVar variation 4714988 (VCV004714988.1).
Genomic context (GRCh38, chr12:120,727,029, plus strand): 5'-AGGATTCTTGGAGACCTCCTGCCTCCTCCTTCCACTCACTTCTGCCCTTGCCGGCAGCTC[T>C]CTGTCCTAGGGCCTGGCGGCAGTTACACACCATCTACCAGTCTGTGGAACTGCCCGAGAC-3'
Protein context (NP_000008.1, residues 7-27): ARASGPARRA[Leu17Pro]CPRAWRQLHT